The following is an entry in ClinVar:

NM_001142800.2(EYS):c.1918T>C (p.Cys640Arg)

Gene: EYS (EGF-like photoreceptor maintenance factor; minus strand). Cytogenetic location: 6q12.
Variant type: single nucleotide variant.
Coding change: c.1918T>C on transcript NM_001142800.2 (MANE Select); coding-DNA position 1918, T replaced by C.
Protein change: p.Cys640Arg; replaces cysteine 640 with arginine.
Molecular consequence: missense variant.
Genome position (GRCh38, 1-based): chr6:65,295,968, A>G on the plus strand (T>C on the coding strand, the complement: EYS is on the minus strand). VCF-style: chr6-65295968-A-G. GRCh37 (hg19) VCF-style: chr6-66005861-A-G.
Other names: c.1918T>C, p.Cys640Arg (NM_001292009.2); short protein forms C640R.
Identifiers: ClinVar variation 1018523 (VCV001018523.8), dbSNP rs1768651662, ClinGen allele CA364659525.

ClinVar aggregate classification (germline): Uncertain significance (1 of 4 stars; one submission).

Submission:

Labcorp Genetics (formerly Invitae), Labcorp
Classification: Uncertain significance. Last evaluated: 2020-08-05. Review status: criteria provided, single submitter. Criteria: Invitae Variant Classification Sherloc (09022015). Collection method: clinical testing. Allele origin: germline.
Comment: This sequence change replaces cysteine with arginine at codon 640 of the EYS protein (p.Cys640Arg). The cysteine residue is highly conserved and there is a large physicochemical difference between cysteine and arginine. In summary, the available evidence is currently insufficient to determine the role of this variant in disease. Therefore, it has been classified as a Variant of Uncertain Significance. Algorithms developed to predict the effect of missense changes on protein structure and function are either unavailable or do not agree on the potential impact of this missense change (SIFT: "Deleterious"; PolyPhen-2: "Benign"; Align-GVGD: "Class C65"). This variant has not been reported in the literature in individuals with EYS-related conditions. This variant is not present in population databases (ExAC no frequency).